The following is an entry in ClinVar:

ClinVar aggregate classification (germline): Pathogenic (1 of 4 stars; one submission).

Conditions:
Deficiency of 3-hydroxyacyl-CoA dehydrogenase. Also called: 3-hydroxyacyl-CoA dehydrogenase deficiency; HADH DEFICIENCY. Identifiers: Orphanet 309127, Orphanet 71212, MedGen C1291230, MONDO:0017715, OMIM 231530.

Submission:

Labcorp Genetics (formerly Invitae), Labcorp
Classification: Pathogenic for Deficiency of 3-hydroxyacyl-CoA dehydrogenase. Last evaluated: 2023-02-11. Review status: criteria provided, single submitter. Criteria: Invitae Variant Classification Sherloc (09022015). Collection method: clinical testing. Allele origin: germline.
Comment: This variant has not been reported in the literature in individuals affected with HADH-related conditions. For these reasons, this variant has been classified as Pathogenic. This variant is not present in population databases (gnomAD no frequency). This sequence change creates a premature translational stop signal (p.Ala22Profs*4) in the HADH gene. It is expected to result in an absent or disrupted protein product. Loss-of-function variants in HADH are known to be pathogenic (PMID: 8825408).

Literature cited by the submitters: PubMed 8825408.

NM_005327.7(HADH):c.64del (p.Ala22fs)

Gene: HADH (hydroxyacyl-CoA dehydrogenase; plus strand). Cytogenetic location: 4q25.
Variant type: Deletion.
Coding change: c.64del on transcript NM_005327.7 (MANE Select); coding-DNA position 64, one base deleted (G; older notation c.64delG).
Protein change: p.Ala22fs; shifts the reading frame from alanine 22.
Molecular consequence: frameshift variant.
Genome position (GRCh38, 1-based): chr4:107,989,996, G deleted; the last of 2 consecutive G bases (chr4:107,989,995-107,989,996); deleting either gives the same sequence. VCF-style (leftmost placement, unchanged base first): chr4-107989994-CG-C. GRCh37 (hg19) VCF-style: chr4-108911150-CG-C.
Other names: c.64del, p.Ala22fs (NM_001184705.4); short protein forms A22fs.
Identifiers: ClinVar variation 2836479 (VCV002836479.3), dbSNP rs2477137510, ClinGen allele CA2739270208.
Genomic context (GRCh38, chr4:107,989,994, plus strand): 5'-TGGCCTTCGTCACCAGGCAGTTCATGCGTTCCGTGTCCTCCTCGTCCACCGCCTCGGCCT[CG>C]GCCAAGAAGATAATCGTCAAGCACGTGACGGTCATCGGCGGCGGGCTGATGGGCGCCGGC-3'